The following is an entry in ClinVar:

NM_000083.3(CLCN1):c.2401G>T (p.Glu801Ter)

Gene: CLCN1 (chloride voltage-gated channel 1; plus strand). Cytogenetic location: 7q34.
Variant type: single nucleotide variant.
Coding change: c.2401G>T on transcript NM_000083.3 (MANE Select); coding-DNA position 2401, G replaced by T.
Protein change: p.Glu801Ter; replaces glutamic acid 801 with a stop codon.
Molecular consequence: nonsense. On other transcripts: non-coding transcript variant (1).
Genome position (GRCh38, 1-based): chr7:143,346,947, G>T. VCF-style: chr7-143346947-G-T. GRCh37 (hg19) VCF-style: chr7-143044040-G-T.
Other names: short protein forms E801*.
Identifiers: ClinVar variation 429728 (VCV000429728.12), dbSNP rs1131691551, ClinGen allele CA369652442.

ClinVar aggregate classification (germline): Pathogenic/Likely pathogenic. Review status: criteria provided, multiple submitters, no conflicts (2 of 4 stars). 4 submissions from 4 submitters: Pathogenic (2); Likely pathogenic (2). Last evaluated 2024-12-05.

Conditions:
Congenital myotonia, autosomal recessive form. Also called: myotonia congenita, autosomal recessive; BECKER DISEASE; Becker Generalized Myotonia. Identifiers: Orphanet 614, MedGen C0751360, MONDO:0009715, OMIM 255700.
Congenital myotonia, autosomal dominant form (THD). Also called: THOMSEN DISEASE; Myotonia congenita autosomal dominant. Identifiers: Orphanet 614, MedGen C2936781, MONDO:0008055, OMIM 160800.

Allele frequency attached by ClinVar (database versions not stated): gnomAD exomes below 0.00001.

Submissions (4):

Labcorp Genetics (formerly Invitae), Labcorp
Classification: Pathogenic for Congenital myotonia, autosomal recessive form; Congenital myotonia, autosomal dominant form. Last evaluated: 2024-12-05. Review status: criteria provided, single submitter. Criteria: Invitae Variant Classification Sherloc (09022015). Collection method: clinical testing. Allele origin: germline.
Comment: This sequence change creates a premature translational stop signal (p.Glu801*) in the CLCN1 gene. It is expected to result in an absent or disrupted protein product. Loss-of-function variants in CLCN1 are known to be pathogenic (PMID: 17932099, 22094069, 23739125). This variant is not present in population databases (gnomAD no frequency). This premature translational stop signal has been observed in individual(s) with autosomal recessive CLCN1-related conditions (PMID: 33263785). ClinVar contains an entry for this variant (Variation ID: 429728). For these reasons, this variant has been classified as Pathogenic.

Fulgent Genetics
Classification: Likely pathogenic for Congenital myotonia, autosomal dominant form; Congenital myotonia, autosomal recessive form. Last evaluated: 2024-01-30. Review status: criteria provided, single submitter. Criteria: ACMG Guidelines, 2015. Collection method: clinical testing. Allele origin: germline.

GeneDx
Classification: Likely pathogenic. Last evaluated: 2023-01-10. Review status: criteria provided, single submitter. Criteria: GeneDx Variant Classification Process June 2021. Collection method: clinical testing. Allele origin: germline. Affected: yes.
Comment: Reported with a second CLCN1 variant, phase unknown, in an individual with non-dystrophic myotonia in published literature (Vereb et al., 2021); Nonsense variant predicted to result in protein truncation or nonsense mediated decay in a gene for which loss of function is a known mechanism of disease; Not observed at significant frequency in large population cohorts (gnomAD); This variant is associated with the following publications: (PMID: 22094069, 23739125, 17932099, 33263785)

MGZ Medical Genetics Center
Classification: Pathogenic for Congenital myotonia, autosomal recessive form. Last evaluated: 2022-06-29. Review status: criteria provided, single submitter. Criteria: ACMG Guidelines, 2015. Collection method: clinical testing. Allele origin: germline. Affected: yes. Observed: 1 variant allele.
Comment: ACMG criteria applied: PVS1, PM3, PS4_SUP, PM2_SUP

Literature cited by the submitters: PubMed 17932099 (cited by Labcorp Genetics (formerly Invitae), Labcorp); PubMed 22094069 (cited by Labcorp Genetics (formerly Invitae), Labcorp); PubMed 23739125 (cited by Labcorp Genetics (formerly Invitae), Labcorp); PubMed 33263785 (cited by Labcorp Genetics (formerly Invitae), Labcorp).